The following is an entry in ClinVar:

NM_004100.5(EYA4):c.578dup (p.Tyr193Ter)

Gene: EYA4 (EYA transcriptional coactivator and phosphatase 4; plus strand). Cytogenetic location: 6q23.2.
Variant type: Duplication.
Coding change: c.578dup on transcript NM_004100.5 (MANE Select); coding-DNA position 578, one base duplicated (A; older notation c.578dupA).
Protein change: p.Tyr193Ter; replaces tyrosine 193 with a stop codon.
Molecular consequence: nonsense.
Genome position (GRCh38, 1-based): chr6:133,462,475, A duplicated. VCF-style (leftmost placement, unchanged base first): chr6-133462474-T-TA. GRCh37 (hg19) VCF-style: chr6-133783612-T-TA.
Other names: c.578dupA (NM_004100.4); c.416dup, p.Tyr139Ter (NM_001301012.2, NM_001370459.1); c.578dup, p.Tyr193Ter (NM_001301013.2, NM_172105.4); c.509dup, p.Tyr170Ter (NM_001370458.1, NM_172103.4); short protein forms Y193*, Y139*, Y170*.
Identifiers: ClinVar variation 504007 (VCV000504007.3), dbSNP rs1554261974, ClinGen allele CA658796833.

ClinVar aggregate classification (germline): Pathogenic (1 of 4 stars; one submission).

Allele frequency attached by ClinVar (database versions not stated): gnomAD exomes below 0.00001.

Submission:

GeneDx
Classification: Pathogenic. Last evaluated: 2019-05-01. Review status: criteria provided, single submitter. Criteria: GeneDx Variant Classification Process June 2021. Collection method: clinical testing. Allele origin: germline. Affected: yes.
Comment: Nonsense variant predicted to result in nonsense mediated decay in a gene for which loss-of-function is a known mechanism of disease; Not observed in large population cohorts (Lek et al., 2016); Has not been previously published as pathogenic or benign to our knowledge